The following is an entry in ClinVar:

ClinVar aggregate classification (germline): Uncertain significance. Review status: criteria provided, single submitter (1 of 4 stars). 2 submissions from 2 submitters: Uncertain significance (1). 1 of the submissions does not count toward it. Last evaluated 2025-11-19.

Conditions:
Hereditary breast ovarian cancer syndrome. Also called: Hereditary breast and ovarian cancer syndrome (HBOC); Breast and ovarian cancer; BRCA1- and BRCA2-Associated Hereditary Breast and Ovarian Cancer; Hereditary breast and/or ovarian cancer syndrome; Hereditary breast and ovarian cancer; Hereditary breast and ovarian cancer syndrome. Identifiers: Orphanet 145, MedGen C0677776, MeSH D061325, MONDO:0003582. Disease mechanism: loss of function.

Submissions (2):

Labcorp Genetics (formerly Invitae), Labcorp
Classification: Uncertain significance for Hereditary breast ovarian cancer syndrome. Last evaluated: 2025-11-19. Review status: criteria provided, single submitter. Criteria: Invitae Variant Classification Sherloc (09022015). Collection method: clinical testing. Allele origin: germline.
Comment: This sequence change falls in intron 2 of the BRCA1 gene. It does not directly change the encoded amino acid sequence of the BRCA1 protein. It affects a nucleotide within the consensus splice site. This variant is not present in population databases (gnomAD no frequency). This variant has not been reported in the literature in individuals affected with BRCA1-related conditions. ClinVar contains an entry for this variant (Variation ID: 433683). Variants that disrupt the consensus splice site are a relatively common cause of aberrant splicing (PMID: 17576681, 9536098). Algorithms developed to predict the effect of sequence changes on RNA splicing suggest that this variant may disrupt the consensus splice site. In summary, the available evidence is currently insufficient to determine the role of this variant in disease. Therefore, it has been classified as a Variant of Uncertain Significance.

Department of Pathology and Laboratory Medicine, Sinai Health System
Classification: Uncertain significance. Review status: no assertion criteria provided. Collection method: clinical testing. Allele origin: unknown. Affected: yes. Observed: 1 variant allele. Study: The Canadian Open Genetics Repository (COGR). Not counted in ClinVar's aggregate classification.

Literature cited by the submitters: PubMed 17576681 (cited by Labcorp Genetics (formerly Invitae), Labcorp); PubMed 9536098 (cited by Labcorp Genetics (formerly Invitae), Labcorp).

NM_007294.4(BRCA1):c.80+5G>C

Gene: BRCA1 (BRCA1 DNA repair associated; minus strand). Cytogenetic location: 17q21.31.
Variant type: single nucleotide variant.
Coding change: c.80+5G>C on transcript NM_007294.4 (MANE Select); 5 bases into the intron after coding-DNA position 80, G replaced by C.
Molecular consequence: intron variant.
Genome position (GRCh38, 1-based): chr17:43,124,012, C>G on the plus strand (G>C on the coding strand, the complement: BRCA1 is on the minus strand). VCF-style: chr17-43124012-C-G. GRCh37 (hg19) VCF-style: chr17-41276029-C-G.
Other names: c.80+5G>C (NM_001407634.1, NM_001407610.1, NM_001408442.1 and 192 more transcripts); c.-61-8233G>C (NM_001408458.1); c.-219+1265G>C (NM_001407967.1); c.-170+1265G>C (NM_001407959.1); c.-8+1265G>C (NM_001407931.1, NM_001407747.1); c.-224+1265G>C (NM_001407962.1, NM_001408512.1, NM_001408510.1); c.-109+1265G>C (NM_001407885.1); c.-62+1265G>C (NM_001408470.1, NM_001407848.1, NM_001407839.1 and 6 more transcripts); and 23 more.
Identifiers: ClinVar variation 433683 (VCV000433683.11), dbSNP rs80358045, ClinGen allele CA645372631.
Genomic context (GRCh38, chr17:43,124,012, plus strand): 5'-TCTGTTCATTTGCATAGGAGATAATCATAGGAATCCCAAATTAATACACTCTTGTGCTGA[C>G]TTACCAGATGGGACACTCTAAGATTTTCTGCATAGCATTAATGACATTTTGTACTTCTTC-3'